The following is an entry in ClinVar:

NM_130837.3(OPA1):c.1787C>A (p.Thr596Lys)

Genes: OPA1 (OPA1 mitochondrial dynamin like GTPase; plus strand), LOC126806913 (BRD4-independent group 4 enhancer GRCh37_chr3:193364377-193365576; plus strand). Cytogenetic location: 3q29.
Variant type: single nucleotide variant.
Coding change: c.1787C>A on transcript NM_130837.3 (MANE Select); coding-DNA position 1787, C replaced by A.
Protein change: p.Thr596Lys; replaces threonine 596 with lysine.
Molecular consequence: missense variant.
Genome position (GRCh38, 1-based): chr3:193,647,097, C>A. VCF-style: chr3-193647097-C-A. GRCh37 (hg19) VCF-style: chr3-193364886-C-A.
Other names: c.1253C>A, p.Thr418Lys (NM_001354663.2); c.1250C>A, p.Thr417Lys (NM_001354664.2); c.1622C>A, p.Thr541Lys (NM_015560.3); c.1514C>A, p.Thr505Lys (NM_130831.3); c.1568C>A, p.Thr523Lys (NM_130832.3); c.1625C>A, p.Thr542Lys (NM_130833.3); c.1676C>A, p.Thr559Lys (NM_130834.3); c.1679C>A, p.Thr560Lys (NM_130835.3); and 1 more; short protein forms T417K, T523K, T578K, T418K, T541K, T542K, T596K, T505K.
Identifiers: ClinVar variation 3665769 (VCV003665769.2).
Genomic context (GRCh38, chr3:193,647,097, plus strand): 5'-TTTAGCTCTTGTTATTTTTTTTTAATAGGACAAGCATGCTAAAGGCACACCAAGTGACTA[C>A]AAGAAATTTAAGCCTTGCAGTATCAGACTGCTTTTGGAAAATGGTACGAGAGTCTGTTGA-3'
Protein context (NP_570850.2, residues 586-606): TSMLKAHQVT[Thr596Lys]RNLSLAVSDC

ClinVar aggregate classification (germline): Uncertain significance (1 of 4 stars; one submission).

Submission:

Labcorp Genetics (formerly Invitae), Labcorp
Classification: Uncertain significance. Last evaluated: 2024-12-17. Review status: criteria provided, single submitter. Criteria: Invitae Variant Classification Sherloc (09022015). Collection method: clinical testing. Allele origin: germline.
Comment: This sequence change replaces threonine, which is neutral and polar, with lysine, which is basic and polar, at codon 541 of the OPA1 protein (p.Thr541Lys). This variant is not present in population databases (gnomAD no frequency). This variant has not been reported in the literature in individuals affected with OPA1-related conditions. Invitae Evidence Modeling of protein sequence and biophysical properties (such as structural, functional, and spatial information, amino acid conservation, physicochemical variation, residue mobility, and thermodynamic stability) indicates that this missense variant is expected to disrupt OPA1 protein function with a positive predictive value of 80%. In summary, the available evidence is currently insufficient to determine the role of this variant in disease. Therefore, it has been classified as a Variant of Uncertain Significance.